The following is an entry in ClinVar:

NM_015272.5(RPGRIP1L):c.230+719T>G

Gene: RPGRIP1L (RPGRIP1 like; minus strand). Cytogenetic location: 16q12.2.
Variant type: single nucleotide variant.
Coding change: c.230+719T>G on transcript NM_015272.5 (MANE Select); 719 bases into the intron after coding-DNA position 230, T replaced by G.
Molecular consequence: intron variant. On other transcripts: missense variant (1).
Genome position (GRCh38, 1-based): chr16:53,695,432, A>C on the plus strand (T>G on the coding strand, the complement: RPGRIP1L is on the minus strand). VCF-style: chr16-53695432-A-C. GRCh37 (hg19) VCF-style: chr16-53729344-A-C.
Other names: c.257T>G, p.Leu86Trp (NM_001328422.2); c.230+719T>G (NM_001127897.4, NM_001330538.2, NM_001308334.3); short protein forms L86W.
Identifiers: ClinVar variation 4981223 (VCV004981223.1).

ClinVar aggregate classification (germline): Uncertain significance (1 of 4 stars; one submission).

Conditions:
RPGRIP1L-related disorder. Also called: RPGRIP1L-related disorders; RPGRIP1L-related condition. Identifiers: MedGen CN239416.

gnomAD v4.1: 2 of 702,860 alleles (0.00028%); highest among the groups gnomAD compares: African/African-American, 0.0035%; no homozygotes.

Submission:

PreventionGenetics, part of Exact Sciences
Classification: Uncertain significance for RPGRIP1L-related condition. Last evaluated: 2026-02-26. Review status: criteria provided, single submitter. Criteria: ACMG Guidelines, 2015. Collection method: clinical testing. Allele origin: germline.
Comment: The RPGRIP1L c.257T>G variant is predicted to result in the amino acid substitution p.Leu86Trp. To our knowledge, this variant has not been reported in the literature. This variant is reported in 0.016% of alleles in individuals of African descent in gnomAD. At this time, the clinical significance of this variant is uncertain due to the absence of conclusive functional and genetic evidence.